The following is an entry in ClinVar:

ClinVar aggregate classification (germline): Uncertain significance. Review status: criteria provided, multiple submitters, no conflicts (2 of 4 stars). 2 submissions from 2 submitters: Uncertain significance (2). Last evaluated 2025-01-06.

Conditions:
Cardiovascular phenotype. Identifiers: MedGen CN230736.

Submissions (2):

Ambry Genetics
Classification: Uncertain significance for Cardiovascular phenotype. Last evaluated: 2025-01-06. Review status: criteria provided, single submitter. Criteria: Ambry Variant Classification Scheme 2023. Collection method: clinical testing. Allele origin: germline.
Comment: The p.S150C variant (also known as c.449C>G), located in coding exon 4 of the PTPN11 gene, results from a C to G substitution at nucleotide position 449. The serine at codon 150 is replaced by cysteine, an amino acid with dissimilar properties. This amino acid position is conserved. In addition, this alteration is predicted to be deleterious by in silico analysis. Based on the available evidence, the clinical significance of this variant remains unclear.

GeneDx
Classification: Uncertain significance. Last evaluated: 2023-03-30. Review status: criteria provided, single submitter. Criteria: GeneDx Variant Classification Process June 2021. Collection method: clinical testing. Allele origin: germline. Affected: yes.
Comment: Not observed at significant frequency in large population cohorts (gnomAD); Missense variants in this gene are often considered pathogenic (HGMD); In silico analysis supports that this missense variant has a deleterious effect on protein structure/function; Has not been previously published as pathogenic or benign to our knowledge

NM_002834.5(PTPN11):c.449C>G (p.Ser150Cys)

Gene: PTPN11 (protein tyrosine phosphatase non-receptor type 11; plus strand). Cytogenetic location: 12q24.13.
Variant type: single nucleotide variant.
Coding change: c.449C>G on transcript NM_002834.5 (MANE Select); coding-DNA position 449, C replaced by G.
Protein change: p.Ser150Cys; replaces serine 150 with cysteine.
Molecular consequence: missense variant.
Genome position (GRCh38, 1-based): chr12:112,453,311, C>G. VCF-style: chr12-112453311-C-G. GRCh37 (hg19) VCF-style: chr12-112891115-C-G.
Other names: c.449C>G, p.Ser150Cys (NM_001330437.2, NM_080601.3); c.446C>G, p.Ser149Cys (NM_001374625.1); short protein forms S149C, S150C.
Identifiers: ClinVar variation 2582167 (VCV002582167.2), dbSNP rs2038104194, ClinGen allele CA386781429.